The following is an entry in ClinVar:

NM_000212.3(ITGB3):c.1591C>T (p.Gln531Ter)

Gene: ITGB3 (integrin subunit beta 3; plus strand). Cytogenetic location: 17q21.32.
Variant type: single nucleotide variant.
Coding change: c.1591C>T on transcript NM_000212.3 (MANE Select); coding-DNA position 1591, C replaced by T.
Protein change: p.Gln531Ter; replaces glutamine 531 with a stop codon.
Molecular consequence: nonsense.
Genome position (GRCh38, 1-based): chr17:47,292,469, C>T. VCF-style: chr17-47292469-C-T. GRCh37 (hg19) VCF-style: chr17-45369835-C-T.
Other names: short protein forms Q531*.
Identifiers: ClinVar variation 4689500 (VCV004689500.1).

ClinVar aggregate classification (germline): Pathogenic (1 of 4 stars; one submission).

Conditions:
Glanzmann thrombasthenia 2. Also called: BLEEDING DISORDER, PLATELET-TYPE, 23. Identifiers: MedGen C5543273, MONDO:0031009, OMIM 619267.

Submission:

Women's Health and Genetics/Laboratory Corporation of America, LabCorp
Classification: Pathogenic for Glanzmann thrombasthenia 2. Last evaluated: 2026-01-10. Review status: criteria provided, single submitter. Criteria: LabCorp Variant Classification Summary - May 2015. Collection method: clinical testing. Allele origin: germline.
Comment: Variant summary: ITGB3 c.1591C>T (p.Gln531X) results in a premature termination codon, predicted to cause a truncation of the encoded protein or absence of the protein due to nonsense mediated decay, which are commonly known mechanisms for disease. The variant was absent in 248896 control chromosomes. To our knowledge, no occurrence of c.1591C>T in individuals affected with ITGB3-related conditions and no experimental evidence demonstrating its impact on protein function have been reported. No submitters have cited clinical-significance assessments for this variant to ClinVar. Based on the evidence outlined above, the variant was classified as pathogenic.